The following is an entry in ClinVar:

NM_005458.8(GABBR2):c.2752_2763dup (p.Pro921_Thr922insCysValSerPro)

Gene: GABBR2 (gamma-aminobutyric acid type B receptor subunit 2; minus strand). Cytogenetic location: 9q22.33.
Variant type: Duplication.
Coding change: c.2752_2763dup on transcript NM_005458.8 (MANE Select); coding-DNA positions 2752 to 2763, 12 bases duplicated (TGCGTCAGCCCC).
Protein change: p.Pro921_Thr922insCysValSerPro.
Molecular consequence: inframe insertion.
Genome position (GRCh38, 1-based): chr9:98,290,647-98,290,658, GGGGCTGACGCA duplicated on the plus strand (TGCGTCAGCCCC on the coding strand, the reverse complement: GABBR2 is on the minus strand); duplicating any 12 consecutive bases within chr9:98,290,647-98,290,667 gives the same sequence; the c. name uses the placement nearest the transcript's 3' end. VCF-style (leftmost placement, unchanged base first): chr9-98290646-T-TGGGGCTGACGCA. GRCh37 (hg19) VCF-style: chr9-101052928-T-TGGGGCTGACGCA.
Identifiers: ClinVar variation 4686537 (VCV004686537.1).

ClinVar aggregate classification (germline): Uncertain significance (1 of 4 stars; one submission).

Submission:

GeneDx
Classification: Uncertain significance. Last evaluated: 2025-07-17. Review status: criteria provided, single submitter. Criteria: GeneDx Variant Classification Process June 2021. Collection method: clinical testing. Allele origin: germline. Affected: yes.
Comment: Not observed at significant frequency in large population cohorts (gnomAD); In-frame duplication of 4 amino acids in a non-repeat region; Has not been previously published as pathogenic or benign to our knowledge